The following is an entry in ClinVar:

NM_022787.4(NMNAT1):c.18G>T (p.Lys6Asn)

Gene: NMNAT1 (nicotinamide nucleotide adenylyltransferase 1; plus strand). Cytogenetic location: 1p36.22.
Variant type: single nucleotide variant.
Coding change: c.18G>T on transcript NM_022787.4 (MANE Select); coding-DNA position 18, G replaced by T.
Protein change: p.Lys6Asn; replaces lysine 6 with asparagine.
Molecular consequence: missense variant.
Genome position (GRCh38, 1-based): chr1:9,972,091, G>T. VCF-style: chr1-9972091-G-T. GRCh37 (hg19) VCF-style: chr1-10032149-G-T.
Other names: c.18G>T, p.Lys6Asn (NM_001297778.1, NM_001297779.2); c.18G>T (NM_022787.3); short protein forms K6N.
Identifiers: ClinVar variation 1429590 (VCV001429590.4), dbSNP rs199561165, ClinGen allele CA579119.

ClinVar aggregate classification (germline): Uncertain significance. Review status: criteria provided, multiple submitters, no conflicts (2 of 4 stars). 2 submissions from 2 submitters: Uncertain significance (2). Last evaluated 2023-05-17.

Conditions:
Leber congenital amaurosis 9 (LCA9). Also called: LCA 9; Amaurosis congenita of Leber, type 9; LCA9 Leber Congenital Amaurosis. Identifiers: Orphanet 65, MedGen C1837873, MONDO:0012056, OMIM 608553.
Inborn genetic diseases. Identifiers: MedGen C0950123, MeSH D030342.

Allele frequency attached by ClinVar (database versions not stated): gnomAD 0.00001; gnomAD exomes 0.00001 and 0.00004; TOPMed 0.00001; ExAC 0.00003; 1000 Genomes Project 0.00020; 1000 Genomes Project 30x 0.00031.
gnomAD v4.1: 15 of 1,605,904 alleles (0.00093%); highest among the groups gnomAD compares: East Asian, 0.033%; no homozygotes.

Submissions (2):

Ambry Genetics
Classification: Uncertain significance for Inborn genetic diseases. Last evaluated: 2023-05-17. Review status: criteria provided, single submitter. Criteria: Ambry Variant Classification Scheme 2023. Collection method: clinical testing. Allele origin: germline.

Labcorp Genetics (formerly Invitae), Labcorp
Classification: Uncertain significance for Leber congenital amaurosis 9. Last evaluated: 2022-07-25. Review status: criteria provided, single submitter. Criteria: Invitae Variant Classification Sherloc (09022015). Collection method: clinical testing. Allele origin: germline.
Comment: This sequence change replaces lysine, which is basic and polar, with asparagine, which is neutral and polar, at codon 6 of the NMNAT1 protein (p.Lys6Asn). This variant is present in population databases (rs199561165, gnomAD 0.06%). This variant has not been reported in the literature in individuals affected with NMNAT1-related conditions. ClinVar contains an entry for this variant (Variation ID: 1429590). Algorithms developed to predict the effect of missense changes on protein structure and function are either unavailable or do not agree on the potential impact of this missense change (SIFT: "Tolerated"; PolyPhen-2: "Possibly Damaging"; Align-GVGD: "Class C0"). In summary, the available evidence is currently insufficient to determine the role of this variant in disease. Therefore, it has been classified as a Variant of Uncertain Significance.